The following is an entry in ClinVar:

ClinVar aggregate classification (germline): Uncertain significance (1 of 4 stars; one submission).

Allele frequency attached by ClinVar (database versions not stated): gnomAD exomes below 0.00001.
gnomAD v4.1: 2 of 1,613,542 alleles (0.00012%); highest among the groups gnomAD compares: African/African-American, 0.0013%; no homozygotes.

Submission:

Ambry Genetics
Classification: Uncertain significance. Last evaluated: 2023-01-18. Review status: criteria provided, single submitter. Criteria: Ambry Variant Classification Scheme 2023. Collection method: clinical testing. Allele origin: germline.
Comment: The p.G1380S variant (also known as c.4138G>A), located in coding exon 32 of the A2ML1 gene, results from a G to A substitution at nucleotide position 4138. The glycine at codon 1380 is replaced by serine, an amino acid with similar properties. This amino acid position is conserved. In addition, this alteration is predicted to be tolerated by in silico analysis. Since supporting evidence is limited at this time, the clinical significance of this alteration remains unclear.

NM_144670.6(A2ML1):c.4138G>A (p.Gly1380Ser)

Gene: A2ML1 (alpha-2-macroglobulin like 1; plus strand). Cytogenetic location: 12p13.31.
Variant type: single nucleotide variant.
Coding change: c.4138G>A on transcript NM_144670.6 (MANE Select); coding-DNA position 4138, G replaced by A.
Protein change: p.Gly1380Ser; replaces glycine 1380 with serine.
Molecular consequence: missense variant.
Genome position (GRCh38, 1-based): chr12:8,868,613, G>A. VCF-style: chr12-8868613-G-A. GRCh37 (hg19) VCF-style: chr12-9021209-G-A.
Other names: c.2665G>A, p.Gly889Ser (NM_001282424.3); short protein forms G889S, G1380S.
Identifiers: ClinVar variation 2449341 (VCV002449341.2), dbSNP rs2539312010, ClinGen allele CA383812996.
Genomic context (GRCh38, chr12:8,868,613, plus strand): 5'-AGCTCTTCCAATATGGCTATTGTGGAAGTGAAGATGCTATCTGGGTTCAGTCCCATGGAG[G>A]GCACCAATCAGTTAGTAAGTTACTTCTGTTTTCTTCATTTATCTAGCTGTGAGGGGACCT-3'
Protein context (NP_653271.3, residues 1370-1390): KMLSGFSPME[Gly1380Ser]TNQLLLQQPL